The following is an entry in ClinVar:

NM_000122.2(ERCC3):c.350A>G (p.Lys117Arg)

Gene: ERCC3 (ERCC excision repair 3, TFIIH core complex helicase subunit; minus strand). Cytogenetic location: 2q14.3.
Variant type: single nucleotide variant.
Coding change: c.350A>G on transcript NM_000122.2 (MANE Select); coding-DNA position 350, A replaced by G.
Protein change: p.Lys117Arg; replaces lysine 117 with arginine.
Molecular consequence: missense variant.
Genome position (GRCh38, 1-based): chr2:127,292,731, T>C on the plus strand (A>G on the coding strand, the complement: ERCC3 is on the minus strand). VCF-style: chr2-127292731-T-C. GRCh37 (hg19) VCF-style: chr2-128050307-T-C.
Other names: c.158A>G, p.Lys53Arg (NM_001303416.2, NM_001303418.2); short protein forms K117R, K53R.
Identifiers: ClinVar variation 134126 (VCV000134126.8), dbSNP rs1805161, ClinGen allele CA158845.

ClinVar aggregate classification (germline): Uncertain significance. Review status: criteria provided, multiple submitters, no conflicts (2 of 4 stars). 4 submissions from 4 submitters: Uncertain significance (3). 1 of the submissions does not count toward it. Last evaluated 2025-12-01.

Conditions:
Trichothiodystrophy 2, photosensitive (TTD2). Identifiers: Orphanet 33364, MedGen C4225344, MONDO:0014615, OMIM 616390.
Xeroderma pigmentosum group B. Also called: ERCC3-Related Xeroderma Pigmentosum; XPB/CS; XERODERMA PIGMENTOSUM B/COCKAYNE SYNDROME; XP, GROUP B. Identifiers: MedGen C0268136, MONDO:0012531, OMIM 610651.

Allele frequency attached by ClinVar (database versions not stated): gnomAD exomes 0.00003 and 0.00004; TOPMed 0.00003; ExAC 0.00004; gnomAD 0.00004; 1000 Genomes Project 30x 0.00016; 1000 Genomes Project 0.00020.

Submissions (4):

Labcorp Genetics (formerly Invitae), Labcorp
Classification: Uncertain significance. Last evaluated: 2025-12-01. Review status: criteria provided, single submitter. Criteria: Invitae Variant Classification Sherloc (09022015). Collection method: clinical testing. Allele origin: germline.
Comment: This sequence change replaces lysine, which is basic and polar, with arginine, which is basic and polar, at codon 117 of the ERCC3 protein (p.Lys117Arg). This variant is present in population databases (rs1805161, gnomAD 0.006%). This variant has not been reported in the literature in individuals affected with ERCC3-related conditions. ClinVar contains an entry for this variant (Variation ID: 134126). Invitae Evidence Modeling of protein sequence and biophysical properties (such as structural, functional, and spatial information, amino acid conservation, physicochemical variation, residue mobility, and thermodynamic stability) indicates that this missense variant is not expected to disrupt ERCC3 protein function with a negative predictive value of 80%. In summary, the available evidence is currently insufficient to determine the role of this variant in disease. Therefore, it has been classified as a Variant of Uncertain Significance.

Fulgent Genetics
Classification: Uncertain significance for Xeroderma pigmentosum group B; Trichothiodystrophy 2, photosensitive. Last evaluated: 2024-02-07. Review status: criteria provided, single submitter. Criteria: ACMG Guidelines, 2015. Collection method: clinical testing. Allele origin: germline.

Breakthrough Genomics
Classification: Uncertain significance. Review status: criteria provided, single submitter. Criteria: ACMG Guidelines, 2015. Collection method: not provided. Allele origin: germline. Inheritance: Autosomal recessive inheritance. Affected: yes.

ITMI
No classification provided. Condition: AllHighlyPenetrant. Last evaluated: 2013-09-19. Review status: no classification provided. Collection method: reference population. Allele origin: germline. Not counted in ClinVar's aggregate classification.
Comment: Please see associated publication for description of ethnicities

Literature cited by the submitters: PubMed 24728327 (cited by ITMI).